The following is an entry in ClinVar:

NM_001040716.2(PC):c.2852A>G (p.Tyr951Cys)

Gene: PC (pyruvate carboxylase; minus strand). Cytogenetic location: 11q13.2.
Variant type: single nucleotide variant.
Coding change: c.2852A>G on transcript NM_001040716.2 (MANE Select); coding-DNA position 2852, A replaced by G.
Protein change: p.Tyr951Cys; replaces tyrosine 951 with cysteine.
Molecular consequence: missense variant.
Genome position (GRCh38, 1-based): chr11:66,849,983, T>C on the plus strand (A>G on the coding strand, the complement: PC is on the minus strand). VCF-style: chr11-66849983-T-C. GRCh37 (hg19) VCF-style: chr11-66617454-T-C.
Other names: c.2852A>G, p.Tyr951Cys (NM_000920.4, NM_022172.3); short protein forms Y951C.
Identifiers: ClinVar variation 1383085 (VCV001383085.6), dbSNP rs2135791974, ClinGen allele CA381491807.

ClinVar aggregate classification (germline): Uncertain significance (1 of 4 stars; one submission).

Conditions:
Pyruvate carboxylase deficiency. Also called: PC DEFICIENCY; ATAXIA WITH LACTIC ACIDOSIS II; Pyruvate Carboxylase Deficiency Disease; LEIGH NECROTIZING ENCEPHALOPATHY DUE TO PYRUVATE CARBOXYLASE DEFICIENCY; LEIGH SYNDROME DUE TO PYRUVATE CARBOXYLASE DEFICIENCY. Identifiers: Orphanet 3008, MedGen C0034341, MONDO:0009949, OMIM 266150.

Submission:

Labcorp Genetics (formerly Invitae), Labcorp
Classification: Uncertain significance for Pyruvate carboxylase deficiency. Last evaluated: 2023-08-30. Review status: criteria provided, single submitter. Criteria: Invitae Variant Classification Sherloc (09022015). Collection method: clinical testing. Allele origin: germline.
Comment: In summary, the available evidence is currently insufficient to determine the role of this variant in disease. Therefore, it has been classified as a Variant of Uncertain Significance. Advanced modeling of protein sequence and biophysical properties (such as structural, functional, and spatial information, amino acid conservation, physicochemical variation, residue mobility, and thermodynamic stability) has been performed at Invitae for this missense variant, however the output from this modeling did not meet the statistical confidence thresholds required to predict the impact of this variant on PC protein function. ClinVar contains an entry for this variant (Variation ID: 1383085). This variant has not been reported in the literature in individuals affected with PC-related conditions. This variant is not present in population databases (gnomAD no frequency). This sequence change replaces tyrosine, which is neutral and polar, with cysteine, which is neutral and slightly polar, at codon 951 of the PC protein (p.Tyr951Cys).